The following is an entry in ClinVar:

NM_005359.6(SMAD4):c.112del (p.Arg38fs)

Gene: SMAD4 (SMAD family member 4; plus strand). Cytogenetic location: 18q21.2.
Variant type: Deletion.
Coding change: c.112del on transcript NM_005359.6 (MANE Select); coding-DNA position 112, one base deleted (A; older notation c.112delA).
Protein change: p.Arg38fs; shifts the reading frame from arginine 38.
Molecular consequence: frameshift variant.
Genome position (GRCh38, 1-based): chr18:51,047,158, A deleted; the last of 5 consecutive A bases (chr18:51,047,154-51,047,158); deleting any one gives the same sequence. VCF-style (leftmost placement, unchanged base first): chr18-51047153-CA-C. GRCh37 (hg19) VCF-style: chr18-48573523-CA-C.
Other names: short protein forms R38fs.
Identifiers: ClinVar variation 1390653 (VCV001390653.3), dbSNP rs2144400967, ClinGen allele CA2573155396.

ClinVar aggregate classification (germline): Pathogenic (1 of 4 stars; one submission).

Conditions:
Juvenile polyposis syndrome (JPS). Identifiers: Orphanet 2929, MedGen C0345893, MONDO:0017380, OMIM 174900.

Submission:

Labcorp Genetics (formerly Invitae), Labcorp
Classification: Pathogenic for Juvenile polyposis syndrome. Last evaluated: 2021-12-05. Review status: criteria provided, single submitter. Criteria: Invitae Variant Classification Sherloc (09022015). Collection method: clinical testing. Allele origin: germline.
Comment: This variant has not been reported in the literature in individuals affected with SMAD4-related conditions. This variant is not present in population databases (gnomAD no frequency). This sequence change creates a premature translational stop signal (p.Arg38Glufs*7) in the SMAD4 gene. It is expected to result in an absent or disrupted protein product. Loss-of-function variants in SMAD4 are known to be pathogenic (PMID: 16152648, 16436638, 22810475). For these reasons, this variant has been classified as Pathogenic.

Literature cited by the submitters: PubMed 16152648; PubMed 16436638; PubMed 22810475.